The following is an entry in ClinVar:

NM_002474.3(MYH11):c.3349G>A (p.Glu1117Lys)

Gene: MYH11 (myosin heavy chain 11; minus strand). Cytogenetic location: 16p13.11.
Variant type: single nucleotide variant.
Coding change: c.3349G>A on transcript NM_002474.3 (MANE Select); coding-DNA position 3349, G replaced by A.
Protein change: p.Glu1117Lys; replaces glutamic acid 1117 with lysine.
Molecular consequence: missense variant.
Genome position (GRCh38, 1-based): chr16:15,735,523, C>T on the plus strand (G>A on the coding strand, the complement: MYH11 is on the minus strand). VCF-style: chr16-15735523-C-T. GRCh37 (hg19) VCF-style: chr16-15829380-C-T.
Other names: c.3370G>A, p.Glu1124Lys (NM_001040113.2, NM_001040114.2); c.3349G>A, p.Glu1117Lys (NM_022844.3); short protein forms E1117K, E1124K.
Identifiers: ClinVar variation 2625329 (VCV002625329.3), dbSNP rs768628428, ClinGen allele CA394862066.

ClinVar aggregate classification (germline): Uncertain significance. Review status: criteria provided, multiple submitters, no conflicts (2 of 4 stars). 2 submissions from 2 submitters: Uncertain significance (2). Last evaluated 2023-09-06.

Conditions:
Familial thoracic aortic aneurysm and aortic dissection (TAAD). Also called: Thoracic aortic aneurysms and dissections. Identifiers: Orphanet 91387, MedGen C4707243, MONDO:0019625.

gnomAD v4.1: 2 of 1,614,150 alleles (0.00012%); highest among the groups gnomAD compares: Non-Finnish European, 0.00017%; no homozygotes.

Submissions (2):

Ambry Genetics
Classification: Uncertain significance for Familial thoracic aortic aneurysm and aortic dissection. Last evaluated: 2023-09-06. Review status: criteria provided, single submitter. Criteria: Ambry Variant Classification Scheme 2023. Collection method: clinical testing. Allele origin: germline.
Comment: The p.E1117K variant (also known as c.3349G>A), located in coding exon 25 of the MYH11 gene, results from a G to A substitution at nucleotide position 3349. The glutamic acid at codon 1117 is replaced by lysine, an amino acid with similar properties. This amino acid position is conserved. In addition, the in silico prediction for this alteration is inconclusive. Since supporting evidence is limited at this time, the clinical significance of this alteration remains unclear.

All of Us Research Program, National Institutes of Health
Classification: Uncertain significance for Familial thoracic aortic aneurysm and aortic dissection. Last evaluated: 2023-08-08. Review status: criteria provided, single submitter. Criteria: ACMG Guidelines, 2015. Collection method: clinical testing. Allele origin: germline. Inheritance: Autosomal dominant inheritance. Observed: 1 variant allele, 1 heterozygote.
Comment: This missense variant replaces glutamic acid with lysine at codon 1124 of the MYH11 protein. Computational prediction is inconclusive regarding the impact of this variant on protein structure and function (internally defined REVEL score threshold 0.5 < inconclusive < 0.7, PMID: 27666373). To our knowledge, functional studies have not been reported for this variant. This variant has not been reported in individuals affected with MYH11-related disorders in the literature. This variant has not been identified in the general population by the Genome Aggregation Database (gnomAD). The available evidence is insufficient to determine the role of this variant in disease conclusively. Therefore, this variant is classified as a Variant of Uncertain Significance.

This study involves interpretation of variants in research participants for the purpose of population health screening. Participant phenotype was not available at the time of variant classification. Additional details can be found in publication PMID: 35346344, PMCID: PMC8962531